The following is an entry in ClinVar:

ClinVar aggregate classification (germline): Uncertain significance (1 of 4 stars; one submission).

Submission:

GeneDx
Classification: Uncertain significance. Last evaluated: 2022-05-18. Review status: criteria provided, single submitter. Criteria: GeneDx Variant Classification Process June 2021. Collection method: clinical testing. Allele origin: germline. Affected: yes.
Comment: Not observed at significant frequency in large population cohorts (gnomAD); In silico analysis supports that this missense variant has a deleterious effect on protein structure/function; Has not been previously published as pathogenic or benign to our knowledge

NM_001378120.1(MBD5):c.199C>T (p.Pro67Ser)

Gene: MBD5 (methyl-CpG binding domain protein 5; plus strand). Cytogenetic location: 2q23.1.
Variant type: single nucleotide variant.
Coding change: c.199C>T on transcript NM_001378120.1 (MANE Select); coding-DNA position 199, C replaced by T.
Protein change: p.Pro67Ser; replaces proline 67 with serine.
Molecular consequence: missense variant.
Genome position (GRCh38, 1-based): chr2:148,462,667, C>T. VCF-style: chr2-148462667-C-T. GRCh37 (hg19) VCF-style: chr2-149220236-C-T.
Other names: c.199C>T, p.Pro67Ser (NM_018328.5); short protein forms P67S.
Identifiers: ClinVar variation 1800633 (VCV001800633.1), dbSNP rs2469808266, ClinGen allele CA348716261.